The following is an entry in ClinVar:

NM_014639.4(SKIC3):c.1706G>A (p.Arg569Lys)

Gene: SKIC3 (SKI3 subunit of superkiller complex; minus strand). Cytogenetic location: 5q15.
Variant type: single nucleotide variant.
Coding change: c.1706G>A on transcript NM_014639.4 (MANE Select); coding-DNA position 1706, G replaced by A.
Protein change: p.Arg569Lys; replaces arginine 569 with lysine.
Molecular consequence: missense variant.
Genome position (GRCh38, 1-based): chr5:95,523,253, C>T on the plus strand (G>A on the coding strand, the complement: SKIC3 is on the minus strand). VCF-style: chr5-95523253-C-T. GRCh37 (hg19) VCF-style: chr5-94858957-C-T.
Other names: short protein forms R569K.
Identifiers: ClinVar variation 1522652 (VCV001522652.3), dbSNP rs771919208, ClinGen allele CA3347270.

ClinVar aggregate classification (germline): Uncertain significance (1 of 4 stars; one submission).

Allele frequency attached by ClinVar (database versions not stated): gnomAD 0.00002; ExAC 0.00001; TOPMed below 0.00001; gnomAD exomes 0.00001.
gnomAD v4.1: 13 of 1,613,772 alleles (0.00081%); highest among the groups gnomAD compares: Non-Finnish European, 0.0011%; no homozygotes.

Submission:

Labcorp Genetics (formerly Invitae), Labcorp
Classification: Uncertain significance. Last evaluated: 2021-10-21. Review status: criteria provided, single submitter. Criteria: Invitae Variant Classification Sherloc (09022015). Collection method: clinical testing. Allele origin: germline.
Comment: This sequence change replaces arginine with lysine at codon 569 of the TTC37 protein (p.Arg569Lys). The arginine residue is moderately conserved and there is a small physicochemical difference between arginine and lysine. This variant is present in population databases (rs771919208, ExAC 0.001%). This variant has not been reported in the literature in individuals affected with TTC37-related conditions. Algorithms developed to predict the effect of missense changes on protein structure and function are either unavailable or do not agree on the potential impact of this missense change (SIFT: "Tolerated"; PolyPhen-2: "Possibly Damaging"; Align-GVGD: "Class C0"). In summary, the available evidence is currently insufficient to determine the role of this variant in disease. Therefore, it has been classified as a Variant of Uncertain Significance.